The following is an entry in ClinVar:

ClinVar aggregate classification (germline): Uncertain significance (1 of 4 stars; one submission).

Conditions:
Bardet-Biedl syndrome 17 (BBS17). Identifiers: Orphanet 110, MedGen C3714980, MONDO:0014445, OMIM 615994.

Allele frequency attached by ClinVar (database versions not stated): gnomAD exomes below 0.00001.
gnomAD v4.1: 1 of 1,589,742 alleles (0.000063%); highest among the groups gnomAD compares: South Asian, 0.0011%; no homozygotes.

Submission:

MVZ Medizinische Genetik Mainz
Classification: Uncertain significance for Bardet-Biedl syndrome 17. Last evaluated: 2022-07-21. Review status: criteria provided, single submitter. Criteria: UK Practice Guidelines For Variant Classification V4 01 2020. Collection method: clinical testing. Allele origin: germline. Inheritance: Autosomal recessive inheritance. Affected: yes. Observed: 1 variant allele.
Comment: PM2_SUP, PM3_SUP, PP4 (ACMG Version 4)

NM_020347.4(LZTFL1):c.778-3C>T

Gene: LZTFL1 (leucine zipper transcription factor like 1; minus strand). Cytogenetic location: 3p21.31.
Variant type: single nucleotide variant.
Coding change: c.778-3C>T on transcript NM_020347.4 (MANE Select); 3 bases into the intron before coding-DNA position 778, C replaced by T.
Molecular consequence: intron variant.
Genome position (GRCh38, 1-based): chr3:45,827,462, G>A on the plus strand (C>T on the coding strand, the complement: LZTFL1 is on the minus strand). VCF-style: chr3-45827462-G-A. GRCh37 (hg19) VCF-style: chr3-45868954-G-A.
Other names: c.801+977C>T (NM_001405925.1); c.802-3C>T (NM_001405920.1); c.765+977C>T (NM_001276379.2); c.766-3C>T (NM_001405921.1); c.726+977C>T (NM_001405927.1, NM_001405926.1, NM_001405928.1); c.727-3C>T (NM_001276378.2, NM_001405923.1, NM_001386451.1 and 1 more transcripts); c.712-3C>T (NM_001405924.1); c.777+977C>T (NM_001386452.1).
Identifiers: ClinVar variation 3061855 (VCV003061855.1), dbSNP rs2529744418, ClinGen allele CA2665413308.